The following is an entry in ClinVar:

ClinVar aggregate classification (germline): Likely benign. Review status: criteria provided, multiple submitters, no conflicts (2 of 4 stars). 3 submissions from 3 submitters: Likely benign (2). 1 of the submissions does not count toward it. Last evaluated 2026-03-01.

Conditions:
MKKS-related disorder. Also called: MKKS-related condition; MKKS-related disorders.
McKusick-Kaufman syndrome (MKKS). Also called: HYDROMETROCOLPOS SYNDROME; HYDROMETROCOLPOS, POSTAXIAL POLYDACTYLY, AND CONGENITAL HEART MALFORMATION. Identifiers: Orphanet 2473, MedGen C0948368, MONDO:0009367, OMIM 236700.
Bardet-Biedl syndrome (BBS). Identifiers: Orphanet 110, MedGen C0752166, MONDO:0015229.

Allele frequency attached by ClinVar (database versions not stated): ExAC 0.00002; TOPMed 0.00066; gnomAD 0.00068 and 0.00070.
gnomAD v4.1: 169 of 1,614,032 alleles (0.01%); highest among the groups gnomAD compares: Admixed American, 0.28%; 4 homozygotes.

Submissions (3):

CeGaT Center for Human Genetics Tuebingen
Classification: Likely benign. Last evaluated: 2026-03-01. Review status: criteria provided, single submitter. Criteria: CeGaT Center For Human Genetics Tuebingen Variant Classification Criteria Version 2. Collection method: clinical testing. Allele origin: germline. Affected: yes. Observed: 1 variant allele.
Comment: MKKS: BS2

Labcorp Genetics (formerly Invitae), Labcorp
Classification: Likely benign for McKusick-Kaufman syndrome; Bardet-Biedl syndrome. Last evaluated: 2026-01-11. Review status: criteria provided, single submitter. Criteria: Invitae Variant Classification Sherloc (09022015). Collection method: clinical testing. Allele origin: germline.

PreventionGenetics, part of Exact Sciences
Classification: Likely benign for MKKS-related condition. Last evaluated: 2020-03-17. Review status: no assertion criteria provided. Collection method: clinical testing. Allele origin: germline. Not counted in ClinVar's aggregate classification.
Comment: This variant is classified as likely benign based on ACMG/AMP sequence variant interpretation guidelines (Richards et al. 2015 PMID: 25741868, with internal and published modifications).

NM_170784.3(MKKS):c.699C>G (p.Ile233Met)

Gene: MKKS (MKKS centrosomal shuttling protein; minus strand). Cytogenetic location: 20p12.2.
Variant type: single nucleotide variant.
Coding change: c.699C>G on transcript NM_170784.3 (MANE Select); coding-DNA position 699, C replaced by G.
Protein change: p.Ile233Met; replaces isoleucine 233 with methionine.
Molecular consequence: missense variant.
Genome position (GRCh38, 1-based): chr20:10,412,816, G>C on the plus strand (C>G on the coding strand, the complement: MKKS is on the minus strand). VCF-style: chr20-10412816-G-C. GRCh37 (hg19) VCF-style: chr20-10393464-G-C.
Other names: c.699C>G, p.Ile233Met (NM_018848.3); short protein forms I233M.
Identifiers: ClinVar variation 939761 (VCV000939761.12), dbSNP rs770801103, ClinGen allele CA9763641.